The following is an entry in ClinVar:

ClinVar aggregate classification (germline): Likely benign. Review status: reviewed by expert panel (3 of 4 stars). 14 submissions from 14 submitters: Likely benign (1). 13 of the submissions do not count toward it. Last evaluated 2017-06-29.

Conditions:
Hereditary cancer-predisposing syndrome. Also called: Tumor predisposition; Hereditary neoplastic syndrome; Neoplastic Syndromes, Hereditary; Hereditary Cancer Syndrome. Identifiers: Orphanet 140162, MedGen C0027672, MeSH D009386, MONDO:0015356.
BRCA2-related disorder. Also called: BRCA2-related condition; BRCA2-related disorders. Identifiers: MedGen CN239275.
Hereditary breast ovarian cancer syndrome. Also called: Hereditary breast and ovarian cancer; BRCA1- and BRCA2-Associated Hereditary Breast and Ovarian Cancer; Hereditary breast and/or ovarian cancer syndrome; Hereditary breast and ovarian cancer syndrome; Hereditary breast and ovarian cancer syndrome (HBOC); Breast and ovarian cancer. Identifiers: Orphanet 145, MedGen C0677776, MeSH D061325, MONDO:0003582. Disease mechanism: loss of function.
Breast-ovarian cancer, familial, susceptibility to, 2 (BROVCA2). Also called: BRCA2 Hereditary Breast and Ovarian Cancer. Identifiers: Orphanet 145, MedGen C2675520, MONDO:0012933, OMIM 612555. Disease mechanism: loss of function.
Malignant tumor of breast. Also called: Malignant breast neoplasm; Cancer breast. Identifiers: MedGen C0006142, MONDO:0007254. Disease mechanism: loss of function.

Allele frequency attached by ClinVar (database versions not stated): ExAC 0.00002; gnomAD exomes 0.00002 and 0.00006; gnomAD 0.00004; TOPMed 0.00005; ESP Exome Variant Server 0.00008.
gnomAD v4.1: 89 of 1,612,244 alleles (0.0055%); highest among the groups gnomAD compares: Non-Finnish European, 0.0073%; no homozygotes.

Submissions (14):

Evidence-based Network for the Interpretation of Germline Mutant Alleles (ENIGMA)
Classification: Likely benign for Breast-ovarian cancer, familial, susceptibility to, 2. Last evaluated: 2017-06-29. Review status: reviewed by expert panel. Criteria: ENIGMA BRCA1/2 Classification Criteria (2017-06-29). Collection method: curation. Allele origin: germline.
Comment: Synonymous substitution variant, with low bioinformatic likelihood to result in a splicing aberration (Splicing prior probability 0.02).

Labcorp Genetics (formerly Invitae), Labcorp
Classification: Likely benign for Hereditary breast ovarian cancer syndrome. Last evaluated: 2026-01-02. Review status: criteria provided, single submitter. Criteria: Invitae Variant Classification Sherloc (09022015). Collection method: clinical testing. Allele origin: germline. Not counted in ClinVar's aggregate classification.

Institute for Biomarker Research, Medical Diagnostic Laboratories, L.L.C.
Classification: Likely benign for Hereditary breast ovarian cancer syndrome. Last evaluated: 2025-07-17. Review status: criteria provided, single submitter. Criteria: ACMG Guidelines, 2015. Collection method: clinical testing. Allele origin: germline. Not counted in ClinVar's aggregate classification.
Comment: The synonymous variant NM_000059.4(BRCA2):c.5319G>A (p.Glu1773=) has been reported to ClinVar as Likely benign with a status of (3 stars) reviewed by expert panel (Variation ID 132770 as of 2025-07-03). The p.Glu1773= variant is not predicted to disrupt an existing splice site. The p.Glu1773= variant results in a substitution of a base that is not predicted conserved by GERP++ and PhyloP. For these reasons, this variant has been classified as Likely Benign.

All of Us Research Program, National Institutes of Health
Classification: Likely benign for Breast-ovarian cancer, familial, susceptibility to, 2. Last evaluated: 2023-11-20. Review status: criteria provided, single submitter. Criteria: ACMG Guidelines, 2015. Collection method: clinical testing. Allele origin: germline. Inheritance: Autosomal dominant inheritance. Observed: 10 variant alleles, 10 heterozygotes. Not counted in ClinVar's aggregate classification.
Comment: This study involves interpretation of variants in research participants for the purpose of population health screening. Participant phenotype was not available at the time of variant classification. Additional details can be found in publication PMID: 35346344, PMCID: PMC8962531

Blueprint Genetics
Classification: Likely benign. Last evaluated: 2023-06-05. Review status: criteria provided, single submitter. Criteria: ACMG Guidelines, 2015. Collection method: clinical testing. Allele origin: germline. Not counted in ClinVar's aggregate classification.

Sema4
Classification: Likely benign for Hereditary cancer-predisposing syndrome. Last evaluated: 2021-04-23. Review status: criteria provided, single submitter. Criteria: Sema4 Curation Guidelines. Collection method: curation. Allele origin: germline. Not counted in ClinVar's aggregate classification.

Women's Health and Genetics/Laboratory Corporation of America, LabCorp
Classification: Likely benign. Last evaluated: 2020-11-19. Review status: criteria provided, single submitter. Criteria: LabCorp Variant Classification Summary - May 2015. Collection method: clinical testing. Allele origin: germline. Not counted in ClinVar's aggregate classification.

Color Diagnostics, LLC DBA Color Health
Classification: Likely benign for Hereditary cancer-predisposing syndrome. Last evaluated: 2017-03-06. Review status: criteria provided, single submitter. Criteria: ACMG Guidelines, 2015. Collection method: clinical testing. Allele origin: germline. Not counted in ClinVar's aggregate classification.

GeneDx
Classification: Benign. Last evaluated: 2015-06-01. Review status: criteria provided, single submitter. Criteria: GeneDx Variant Classification (06012015). Collection method: clinical testing. Allele origin: germline. Affected: yes. Not counted in ClinVar's aggregate classification.
Comment: This variant is considered likely benign or benign based on one or more of the following criteria: it is a conservative change, it occurs at a poorly conserved position in the protein, it is predicted to be benign by multiple in silico algorithms, and/or has population frequency not consistent with disease.

Ambry Genetics
Classification: Likely benign for Hereditary cancer-predisposing syndrome. Last evaluated: 2015-05-02. Review status: criteria provided, single submitter. Criteria: Ambry Variant Classification Scheme 2023. Collection method: clinical testing. Allele origin: germline. Not counted in ClinVar's aggregate classification.

BRCAlab, Lund University
Classification: Likely benign for Breast-ovarian cancer, familial, susceptibility to, 2. Last evaluated: 2020-03-02. Review status: no assertion criteria provided. Collection method: clinical testing. Allele origin: germline. Affected: yes. Not counted in ClinVar's aggregate classification.

PreventionGenetics, part of Exact Sciences
Classification: Likely benign for BRCA2-related condition. Last evaluated: 2019-08-21. Review status: no assertion criteria provided. Collection method: clinical testing. Allele origin: germline. Not counted in ClinVar's aggregate classification.
Comment: This variant is classified as likely benign based on ACMG/AMP sequence variant interpretation guidelines (Richards et al. 2015 PMID: 25741868, with internal and published modifications).

Counsyl
Classification: Likely benign for Breast-ovarian cancer, familial, susceptibility to, 2. Last evaluated: 2017-05-08. Review status: no assertion criteria provided. Collection method: clinical testing. Allele origin: unknown. Not counted in ClinVar's aggregate classification.

Department of Pathology and Laboratory Medicine, Sinai Health System
Classification: Likely benign for Malignant tumor of breast. Review status: no assertion criteria provided. Collection method: clinical testing. Allele origin: unknown. Affected: yes. Observed: 1 variant allele. Study: The Canadian Open Genetics Repository (COGR). Not counted in ClinVar's aggregate classification.
Comment: The BRCA2 c.5319G>A variant was identified in dbSNP (ID: rs376257217) as â€šÃ„ÃºWith Likely benign alleleâ€šÃ„Ã¹, Clinvitae database (likely benign by ClinVar and Invitae), the ClinVar database (likely benign by Ambry Genetics and Invitae), UMD (5x with an â€šÃ„Ãºunclassified variantâ€šÃ„Ã¹ classification). This variant was also identified in the NHLBI GO Exome Sequencing Project in 1 of 4402 African American alleles, the Exome Aggregation Consortium database (August 8, 2016) in 2 of 120574 chromosomes (freq. 0.00002) in the following populations: African in 1 of 10222 chromosomes (freq. 0.0001), European in 1 of 66222 chromosomes (freq. 0.00002), increasing the likelihood that this may be a low frequency benign variant in certain populations of origin. The c.5319G>A variant is not expected to have clinical significance because it does not result in a change of amino acid (p.Glu1773Glu) and is not located in a known consensus splice site. The variant occurs outside of the splicing consensus sequence and 2 of 5 in silico or computational prediction software programs (SpliceSiteFinder, MaxEntScan, NNSPLICE, GeneSplicer, HumanSpliceFinder) predict a greater than 10% difference in splicing: this is not very predictive of pathogenicity. In summary, based on the above information, the clinical significance of this variant cannot be determined with certainty at this time although we would lean towards a more benign role for this variant. This variant is classified as likely benign.

Literature cited by the submitters: PubMed 20104584 (cited by Women's Health and Genetics/Laboratory Corporation of America, LabCorp and Counsyl); PubMed 21702907 (cited by Women's Health and Genetics/Laboratory Corporation of America, LabCorp and Counsyl).

NM_000059.4(BRCA2):c.5319G>A (p.Glu1773=)

Gene: BRCA2 (BRCA2 DNA repair associated; plus strand). Cytogenetic location: 13q13.1.
Variant type: single nucleotide variant.
Coding change: c.5319G>A on transcript NM_000059.4 (MANE Select); coding-DNA position 5319, G replaced by A.
Protein change: p.Glu1773=; no amino-acid change (glutamic acid 1773 retained).
Molecular consequence: synonymous variant.
Genome position (GRCh38, 1-based): chr13:32,339,674, G>A. VCF-style: chr13-32339674-G-A. GRCh37 (hg19) VCF-style: chr13-32913811-G-A.
Identifiers: ClinVar variation 132770 (VCV000132770.31), dbSNP rs376257217, ClinGen allele CA022009.